The following is an entry in ClinVar:

ClinVar aggregate classification (somatic clinical impact): Tier I - Strong (1 of 4 stars; one submission).

Conditions:
Diffuse pediatric-type high-grade glioma, H3-wildtype and IDH-wildtype. Identifiers: MedGen C5669918, MONDO:0858939.

Submission:

Institute for Genomic Medicine (IGM) Clinical Laboratory, Nationwide Children's Hospital
Classification: Tier I - Strong for Diffuse pediatric-type high-grade glioma, H3-wildtype and IDH-wildtype. Assertion type: diagnostic. Clinical significance: supports diagnosis. Last evaluated: 2022-10-14. Review status: criteria provided, single submitter. Criteria: AMP/ASCO/CAP Guidelines, 2017. Collection method: clinical testing. Allele origin: somatic. Affected: yes.
Comment: Variant has Tier I (strong) clinical significance as a diagnostic inclusion criterion in diffuse pediatric-type high-grade glioma, H3-wildtype and IDH-wildtype, based on the following evidence: 1) Documented in one or more cancer databases (e.g., St. Jude Pecan, COSMIC, CIViC, OncoKB). 2) Appears in one or more well-established professional guidelines (e.g., World Health Organization [WHO]; National Comprehensive Cancer Network [NCCN]) as providing diagnostic, prognostic, or therapeutic information. 3) Information in the literature supports potential biologic effect of variant (PMIDs: 14592816, 24148618). 4) Diagnostic for a specific tumor type/classification based on well-powered studies with expert-level consensus (Evidence Level B; PMIDs: 28966033, 24705251, 29763623, 28912153, 25219808).

Literature cited by the submitters: PubMed 14592816; PubMed 24148618; PubMed 28966033; PubMed 24705251; PubMed 29763623; PubMed 28912153; PubMed 25219808.

NM_000489.6(ATRX):c.982G>T (p.Glu328Ter)

Gene: ATRX (ATRX chromatin remodeler; minus strand). Cytogenetic location: Xq21.1.
Variant type: single nucleotide variant.
Coding change: c.982G>T on transcript NM_000489.6 (MANE Select); coding-DNA position 982, G replaced by T.
Protein change: p.Glu328Ter; replaces glutamic acid 328 with a stop codon.
Molecular consequence: nonsense.
Genome position (GRCh38, 1-based): chrX:77,684,274, C>A on the plus strand (G>T on the coding strand, the complement: ATRX is on the minus strand). VCF-style: chrX-77684274-C-A. GRCh37 (hg19) VCF-style: chrX-76939766-C-A.
Other names: c.868G>T, p.Glu290Ter (NM_138270.5); short protein forms E290*, E328*.
Identifiers: ClinVar variation 4530215 (VCV004530215.1).
Genomic context (GRCh38, chrX:77,684,274, plus strand): 5'-CAATTAGTGCGGAATAAGAGTAGGTTACAGAGCCAGAACAGGAATCATCTAATTTCTTTT[C>A]TTCTCCATTACAATTTGAACTAGTCTTCTTTGGAGAAAATCTGGATGTATGTTCATATAC-3'